The following is an entry in ClinVar:

NM_152743.4(BRAT1):c.1617C>G (p.Cys539Trp)

Gene: BRAT1 (BRCA1 associated ATM activator 1; minus strand). Cytogenetic location: 7p22.3.
Variant type: single nucleotide variant.
Coding change: c.1617C>G on transcript NM_152743.4 (MANE Select); coding-DNA position 1617, C replaced by G.
Protein change: p.Cys539Trp; replaces cysteine 539 with tryptophan.
Molecular consequence: missense variant. On other transcripts: non-coding transcript variant (1).
Genome position (GRCh38, 1-based): chr7:2,539,332, G>C on the plus strand (C>G on the coding strand, the complement: BRAT1 is on the minus strand). VCF-style: chr7-2539332-G-C. GRCh37 (hg19) VCF-style: chr7-2578966-G-C.
Other names: c.1617C>G, p.Cys539Trp (NM_001350626.2); c.1092C>G, p.Cys364Trp (NM_001350627.2); short protein forms C364W, C539W.
Identifiers: ClinVar variation 1011722 (VCV001011722.6), dbSNP rs773927497, ClinGen allele CA4127651.

ClinVar aggregate classification (germline): Uncertain significance (1 of 4 stars; one submission).

Conditions:
Neonatal-onset encephalopathy with rigidity and seizures. Also called: Lethal neonatal spasticity-epileptic encephalopathy syndrome. Identifiers: Orphanet 435845, MedGen C3281029, MONDO:0013784, OMIM 614498.

Allele frequency attached by ClinVar (database versions not stated): gnomAD exomes 0.00001; ExAC 0.00002.
gnomAD v4.1: 10 of 1,609,472 alleles (0.00062%); highest among the groups gnomAD compares: Admixed American, 0.0033%; no homozygotes.

Submission:

Labcorp Genetics (formerly Invitae), Labcorp
Classification: Uncertain significance for Neonatal-onset encephalopathy with rigidity and seizures. Last evaluated: 2022-04-06. Review status: criteria provided, single submitter. Criteria: Invitae Variant Classification Sherloc (09022015). Collection method: clinical testing. Allele origin: germline.
Comment: This sequence change replaces cysteine, which is neutral and slightly polar, with tryptophan, which is neutral and slightly polar, at codon 539 of the BRAT1 protein (p.Cys539Trp). This variant is present in population databases (rs773927497, gnomAD 0.006%). This variant has not been reported in the literature in individuals affected with BRAT1-related conditions. ClinVar contains an entry for this variant (Variation ID: 1011722). Algorithms developed to predict the effect of missense changes on protein structure and function are either unavailable or do not agree on the potential impact of this missense change (SIFT: "Deleterious"; PolyPhen-2: "Benign"; Align-GVGD: "Class C0"). In summary, the available evidence is currently insufficient to determine the role of this variant in disease. Therefore, it has been classified as a Variant of Uncertain Significance.